The following is an entry in ClinVar:

NM_001201427.2(DAAM2):c.27T>C (p.His9=)

Gene: DAAM2 (dishevelled associated activator of morphogenesis 2; plus strand). Cytogenetic location: 6p21.2.
Variant type: single nucleotide variant.
Coding change: c.27T>C on transcript NM_001201427.2 (MANE Select); coding-DNA position 27, T replaced by C.
Protein change: p.His9=; no amino-acid change (histidine 9 retained).
Molecular consequence: synonymous variant.
Genome position (GRCh38, 1-based): chr6:39,856,329, T>C. VCF-style: chr6-39856329-T-C. GRCh37 (hg19) VCF-style: chr6-39824105-T-C.
Other names: c.27T>C, p.His9= (NM_015345.4).
Identifiers: ClinVar variation 3060337 (VCV003060337.2), dbSNP rs11965120, ClinGen allele CA3794591.
Genomic context (GRCh38, chr6:39,856,329, plus strand): 5'-TCTGTCTGCTGACGCCCCCTGGCCTGCAGTGACCATGGCCCCCCGCAAGAGGAGCCACCA[T>C]GGCCTGGGCTTCCTGTGCTGCTTCGGGGGCAGTGACATCCCCGAAATCAACCTCCGGGAC-3'
Protein context (NP_001188356.1, residues 1-19): MAPRKRSH[His9=]GLGFLCCFGG

ClinVar aggregate classification (germline): Benign (0 of 4 stars; one submission).

Conditions:
DAAM2-related disorder. Also called: DAAM2-related condition.

Allele frequency attached by ClinVar (database versions not stated): ESP Exome Variant Server 0.01070; TOPMed 0.01241; 1000 Genomes Project 30x 0.01718; 1000 Genomes Project 0.01937; ExAC 0.03439.
gnomAD v4.1: 21,651 of 1,548,998 alleles (1.4%); highest among the groups gnomAD compares: East Asian, 7.3%; 288 homozygotes.

Submission:

PreventionGenetics, part of Exact Sciences
Classification: Benign for DAAM2-related condition. Last evaluated: 2019-02-19. Review status: no assertion criteria provided. Collection method: clinical testing. Allele origin: germline.
Comment: This variant is classified as benign based on ACMG/AMP sequence variant interpretation guidelines (Richards et al. 2015 PMID: 25741868, with internal and published modifications).